The following is an entry in ClinVar:

NM_000426.4(LAMA2):c.5836A>T (p.Lys1946Ter)

Gene: LAMA2 (laminin subunit alpha 2; plus strand). Cytogenetic location: 6q22.33.
Variant type: single nucleotide variant.
Coding change: c.5836A>T on transcript NM_000426.4 (MANE Select); coding-DNA position 5836, A replaced by T.
Protein change: p.Lys1946Ter; replaces lysine 1946 with a stop codon.
Molecular consequence: nonsense.
Genome position (GRCh38, 1-based): chr6:129,403,930, A>T. VCF-style: chr6-129403930-A-T. GRCh37 (hg19) VCF-style: chr6-129725075-A-T.
Other names: c.5836A>T, p.Lys1946Ter (NM_001079823.2); short protein forms K1946*.
Identifiers: ClinVar variation 1726607 (VCV001726607.3), dbSNP rs1441766008, ClinGen allele CA365617450.

ClinVar aggregate classification (germline): Likely pathogenic (1 of 4 stars; one submission).

Conditions:
LAMA2-related muscular dystrophy (LAMA2-RD). Also called: Laminin alpha 2-related dystrophy. Identifiers: MedGen C5679788, MONDO:0100228.

Submission:

Myriad Genetics, Inc.
Classification: Likely pathogenic for LAMA2-related muscular dystrophy. Last evaluated: 2022-03-03. Review status: criteria provided, single submitter. Criteria: Myriad Autosomal Dominant, Autosomal Recessive and X-Linked Classification Criteria (2023). Collection method: clinical testing. Allele origin: unknown.
Comment: NM_000426.3(LAMA2):c.5836A>T(K1946*) is expected to be pathogenic in the context of muscular dystrophy, LAMA2-related. This variant is predicted to lead to an abnormal or absent protein product due to the creation of a premature termination codon in LAMA2, a gene where loss-of-function variants are known to be pathogenic. Please note: this variant was assessed in the context of healthy population screening.